The following is an entry in ClinVar:

NM_000726.5(CACNB4):c.331G>A (p.Val111Met)

Gene: CACNB4 (calcium voltage-gated channel auxiliary subunit beta 4; minus strand). Cytogenetic location: 2q23.3.
Variant type: single nucleotide variant.
Coding change: c.331G>A on transcript NM_000726.5 (MANE Select); coding-DNA position 331, G replaced by A.
Protein change: p.Val111Met; replaces valine 111 with methionine.
Molecular consequence: missense variant. On other transcripts: 5 prime UTR variant (2).
Genome position (GRCh38, 1-based): chr2:151,880,859, C>T on the plus strand (G>A on the coding strand, the complement: CACNB4 is on the minus strand). VCF-style: chr2-151880859-C-T. GRCh37 (hg19) VCF-style: chr2-152737373-C-T.
Other names: c.277G>A, p.Val93Met (NM_001005746.4, NM_001330113.2); c.229G>A, p.Val77Met (NM_001005747.4, NM_001330115.2); c.331G>A, p.Val111Met (NM_001145798.3); c.190G>A, p.Val64Met (NM_001320722.3, NM_001330116.2, NM_001330118.2); c.-304G>A (NM_001330114.2); c.-228G>A (NM_001330117.2); short protein forms V111M, V64M, V77M, V93M.
Identifiers: ClinVar variation 994538 (VCV000994538.4), dbSNP rs764764389, ClinGen allele CA1912640.
Genomic context (GRCh38, chr2:151,880,859, plus strand): 5'-CCTCTTTAATATGTAGAAAGTCTTTAGCATCAAAGGAGATAGCTGTGCTTGGAACAGGCA[C>T]ATCCTCGTCCAGGGCGCCGCAGTAGCTCACATTTGTCTTCACGGCAAATGCTACAGGTTT-3'
Protein context (NP_000717.2, residues 101-121): VSYCGALDED[Val111Met]PVPSTAISFD

ClinVar aggregate classification (germline): Uncertain significance. Review status: criteria provided, multiple submitters, no conflicts (2 of 4 stars). 3 submissions from 3 submitters: Uncertain significance (2). 1 of the submissions does not count toward it. Last evaluated 2023-02-23.

Conditions:
Epilepsy, idiopathic generalized, susceptibility to, 9. Identifiers: Orphanet 307, MedGen C2750887, MONDO:0011892, OMIM 607682.

Allele frequency attached by ClinVar (database versions not stated): TOPMed below 0.00001; gnomAD 0.00001; gnomAD exomes 0.00001; ExAC 0.00003.
gnomAD v4.1: 4 of 1,613,634 alleles (0.00025%); highest among the groups gnomAD compares: South Asian, 0.0011%; no homozygotes.

Submissions (3):

Ambry Genetics
Classification: Uncertain significance. Last evaluated: 2023-02-23. Review status: criteria provided, single submitter. Criteria: Ambry Variant Classification Scheme 2023. Collection method: clinical testing. Allele origin: germline.

Athena Diagnostics
Classification: Uncertain significance. Last evaluated: 2020-08-13. Review status: criteria provided, single submitter. Criteria: Athena Diagnostics Criteria. Collection method: clinical testing. Allele origin: unknown.

Solve-RD Consortium
Classification: Likely pathogenic for Epilepsy, idiopathic generalized, susceptibility to, 9. Last evaluated: 2022-06-01. Review status: no assertion criteria provided. Collection method: provider interpretation. Allele origin: inherited. Affected: yes. Not counted in ClinVar's aggregate classification.
Comment: Variant confirmed as disease-causing by referring clinical team

Variant identified during reanalysis of unsolved cases by the Solve-RD project. The Solve-RD project has received funding from the European Union’s Horizon 2020 research and innovation programme under grant agreement No 779257.

Literature cited by the submitters: PubMed 39825153 (cited by Solve-RD Consortium).